The following is an entry in ClinVar:

ClinVar aggregate classification (germline): Uncertain significance. Review status: criteria provided, multiple submitters, no conflicts (2 of 4 stars). 3 submissions from 3 submitters: Uncertain significance (3). Last evaluated 2025-05-27.

Conditions:
Melnick-Needles syndrome (MNS). Also called: Melnick-Needles Syndrome (FLNA-MNS); MELNICK-NEEDLES OSTEODYSPLASTY; OSTEODYSPLASTY OF MELNICK AND NEEDLES. Identifiers: Orphanet 2484, MedGen C0025237, MONDO:0010650, OMIM 309350.
Oto-palato-digital syndrome, type II (OPD2). Also called: Otopalatodigital Syndrome Type 2 (FLNA-OPD2); Otopalatodigital Syndrome, Type II; FACIOPALATOOSSEOUS SYNDROME; OPD II SYNDROME. Identifiers: Orphanet 669, Orphanet 90652, MedGen C1844696, MONDO:0010571, OMIM 304120.
Frontometaphyseal dysplasia (FMD1). Identifiers: Orphanet 1826, MedGen C0265293, MONDO:0015942.
Heterotopia, periventricular, X-linked dominant (PVNH1). Also called: PERIVENTRICULAR NODULAR HETEROTOPIA 4; HETEROTOPIA, PERIVENTRICULAR, 1; PERIVENTRICULAR NODULAR HETEROTOPIA 1; X-linked periventricular heterotopia. Identifiers: Orphanet 2149, Orphanet 82004, MedGen C1848213, MONDO:0010233, OMIM 300049.
Familial thoracic aortic aneurysm and aortic dissection (TAAD). Also called: Thoracic aortic aneurysms and dissections. Identifiers: Orphanet 91387, MedGen C4707243, MONDO:0019625.

Allele frequency attached by ClinVar (database versions not stated): gnomAD 0.00001; gnomAD exomes below 0.00001; TOPMed 0.00001.
gnomAD v4.1: 2 of 1,208,352 alleles (0.00017%); highest among the groups gnomAD compares: Non-Finnish European, 0.00022%; no homozygotes.

Submissions (3):

Dasa
Classification: Uncertain significance. Last evaluated: 2025-05-27. Review status: criteria provided, single submitter. Criteria: DASA Assertion Criteria. Collection method: clinical testing. Allele origin: germline.
Comment: NM_001110556.2(FLNA):c.4520A>G (p.Gln1507Arg) is a missense variant that results in the substitution of glutamine with arginine. This variant is rare in population databases. The currently available literature and clinical evidence are not sufficient to establish a definitive association between this variant and the reported condition. Therefore, this variant is classified as a variant of uncertain significance.

Labcorp Genetics (formerly Invitae), Labcorp
Classification: Uncertain significance for Oto-palato-digital syndrome, type II; Heterotopia, periventricular, X-linked dominant; Frontometaphyseal dysplasia; Melnick-Needles syndrome. Last evaluated: 2023-01-31. Review status: criteria provided, single submitter. Criteria: Invitae Variant Classification Sherloc (09022015). Collection method: clinical testing. Allele origin: germline.
Comment: This sequence change replaces glutamine, which is neutral and polar, with arginine, which is basic and polar, at codon 1507 of the FLNA protein (p.Gln1507Arg). This variant is not present in population databases (gnomAD no frequency). This variant has not been reported in the literature in individuals affected with FLNA-related conditions. ClinVar contains an entry for this variant (Variation ID: 1741211). Advanced modeling of protein sequence and biophysical properties (such as structural, functional, and spatial information, amino acid conservation, physicochemical variation, residue mobility, and thermodynamic stability) performed at Invitae indicates that this missense variant is not expected to disrupt FLNA protein function. In summary, the available evidence is currently insufficient to determine the role of this variant in disease. Therefore, it has been classified as a Variant of Uncertain Significance.

Ambry Genetics
Classification: Uncertain significance for Familial thoracic aortic aneurysm and aortic dissection. Last evaluated: 2018-01-22. Review status: criteria provided, single submitter. Criteria: Ambry Variant Classification Scheme 2023. Collection method: clinical testing. Allele origin: germline.
Comment: The p.Q1507R variant (also known as c.4520A>G), located in coding exon 26 of the FLNA gene, results from an A to G substitution at nucleotide position 4520. The glutamine at codon 1507 is replaced by arginine, an amino acid with highly similar properties. This amino acid position is not well conserved in available vertebrate species. In addition, this alteration is predicted to be tolerated by in silico analysis. Since supporting evidence is limited at this time, the clinical significance of this alteration remains unclear.

NM_001110556.2(FLNA):c.4520A>G (p.Gln1507Arg)

Gene: FLNA (filamin A; minus strand). Cytogenetic location: Xq28.
Variant type: single nucleotide variant.
Coding change: c.4520A>G on transcript NM_001110556.2 (MANE Select); coding-DNA position 4520, A replaced by G.
Protein change: p.Gln1507Arg; replaces glutamine 1507 with arginine.
Molecular consequence: missense variant.
Genome position (GRCh38, 1-based): chrX:154,358,523, T>C on the plus strand (A>G on the coding strand, the complement: FLNA is on the minus strand). VCF-style: chrX-154358523-T-C. GRCh37 (hg19) VCF-style: chrX-153586891-T-C.
Other names: c.4520A>G, p.Gln1507Arg (NM_001456.4); short protein forms Q1507R.
Identifiers: ClinVar variation 1741211 (VCV001741211.7), dbSNP rs782217889, ClinGen allele CA337279100.